The following is an entry in ClinVar:

NM_000216.4(ANOS1):c.515G>C (p.Cys172Ser)

Gene: ANOS1 (anosmin 1; minus strand). Cytogenetic location: Xp22.31.
Variant type: single nucleotide variant.
Coding change: c.515G>C on transcript NM_000216.4 (MANE Select); coding-DNA position 515, G replaced by C.
Protein change: p.Cys172Ser; replaces cysteine 172 with serine.
Molecular consequence: missense variant.
Genome position (GRCh38, 1-based): chrX:8,597,060, C>G on the plus strand (G>C on the coding strand, the complement: ANOS1 is on the minus strand). VCF-style: chrX-8597060-C-G. GRCh37 (hg19) VCF-style: chrX-8565101-C-G.
Other names: short protein forms C172S.
Identifiers: ClinVar variation 995129 (VCV000995129.5), dbSNP rs1930749813, ClinGen allele CA412024811.

ClinVar aggregate classification (germline): Uncertain significance. Review status: criteria provided, multiple submitters, no conflicts (2 of 4 stars). 2 submissions from 2 submitters: Uncertain significance (2). Last evaluated 2022-03-29.

Conditions:
Hypogonadotropic hypogonadism 1 with or without anosmia (HH1). Also called: HYPOGONADOTROPIC HYPOGONADISM 1 WITH ANOSMIA; KAL1-Related GnRH Deficiency (Kallmann Syndrome 1; Kallmann Syndrome, X-Linked); Hypogonadotropic hypogonadism 1 with or without anosmia (Kallmann syndrome 1); HYPOGONADOTROPIC HYPOGONADISM AND ANOSMIA; Kallmann syndrome, type 1, X-linked; DYSPLASIA OLFACTOGENITALIS OF DE MORSIER. Identifiers: Orphanet 478, MedGen C1563719, MONDO:0010635, OMIM 308700. Disease mechanism: loss of function.

Submissions (2):

Labcorp Genetics (formerly Invitae), Labcorp
Classification: Uncertain significance for Hypogonadotropic hypogonadism 1 with or without anosmia. Last evaluated: 2022-03-29. Review status: criteria provided, single submitter. Criteria: Invitae Variant Classification Sherloc (09022015). Collection method: clinical testing. Allele origin: germline.
Comment: In summary, the available evidence is currently insufficient to determine the role of this variant in disease. Therefore, it has been classified as a Variant of Uncertain Significance. This variant disrupts the p.Cys172 amino acid residue in ANOS1. Other variant(s) that disrupt this residue have been observed in individuals with ANOS1-related conditions (PMID: 11297579), which suggests that this may be a clinically significant amino acid residue. Algorithms developed to predict the effect of missense changes on protein structure and function (SIFT, PolyPhen-2, Align-GVGD) all suggest that this variant is likely to be disruptive. ClinVar contains an entry for this variant (Variation ID: 995129). This missense change has been observed in individual(s) with clinical features of Kallmann syndrome (Invitae). This variant is not present in population databases (gnomAD no frequency). This sequence change replaces cysteine, which is neutral and slightly polar, with serine, which is neutral and polar, at codon 172 of the ANOS1 protein (p.Cys172Ser).

Athena Diagnostics
Classification: Uncertain significance. Last evaluated: 2019-12-31. Review status: criteria provided, single submitter. Criteria: Athena Diagnostics Criteria. Collection method: clinical testing. Allele origin: unknown.

Literature cited by the submitters: PubMed 11297579 (cited by Labcorp Genetics (formerly Invitae), Labcorp).